The following is an entry in ClinVar:

ClinVar aggregate classification (germline): Uncertain significance (1 of 4 stars; one submission).

Submission:

Dasa
Classification: Uncertain significance. Last evaluated: 2026-04-07. Review status: criteria provided, single submitter. Criteria: DASA Assertion Criteria. Collection method: clinical testing. Allele origin: germline.
Comment: NM_001376.5(DYNC1H1):c.7261A>G (p.Thr2421Ala) is a missense variant that results in the substitution of threonine with alanine. This variant is rare in population databases. Computational prediction algorithms are consistent with a benign effect. The currently available literature and clinical evidence are not sufficient to establish a definitive association between this variant and the reported condition. Therefore, this variant is classified as a variant of uncertain significance.

NM_001376.5(DYNC1H1):c.7261A>G (p.Thr2421Ala)

Gene: DYNC1H1 (dynein cytoplasmic 1 heavy chain 1; plus strand). Cytogenetic location: 14q32.31.
Variant type: single nucleotide variant.
Coding change: c.7261A>G on transcript NM_001376.5 (MANE Select); coding-DNA position 7261, A replaced by G.
Protein change: p.Thr2421Ala; replaces threonine 2421 with alanine.
Molecular consequence: missense variant.
Genome position (GRCh38, 1-based): chr14:102,015,874, A>G. VCF-style: chr14-102015874-A-G. GRCh37 (hg19) VCF-style: chr14-102482211-A-G.
Other names: short protein forms T2421A.
Identifiers: ClinVar variation 4885795 (VCV004885795.2).